The following is an entry in ClinVar:

ClinVar aggregate classification (germline): Likely benign (1 of 4 stars; one submission).

Allele frequency attached by ClinVar (database versions not stated): gnomAD exomes below 0.00001.
gnomAD v4.1: 2 of 1,568,682 alleles (0.00013%); highest among the groups gnomAD compares: Middle Eastern, 0.019%; no homozygotes.

Submission:

GeneDx
Classification: Likely benign. Last evaluated: 2017-05-08. Review status: criteria provided, single submitter. Criteria: GeneDx Variant Classification (06012015). Collection method: clinical testing. Allele origin: germline. Affected: yes.
Comment: This variant is considered likely benign or benign based on one or more of the following criteria: it is a conservative change, it occurs at a poorly conserved position in the protein, it is predicted to be benign by multiple in silico algorithms, and/or has population frequency not consistent with disease.

NM_001267550.2(TTN):c.65575+18A>G

Genes: TTN (titin; minus strand), TTN-AS1 (TTN antisense RNA 1; plus strand). Cytogenetic location: 2q31.2.
Variant type: single nucleotide variant.
Coding change: c.65575+18A>G on transcript NM_001267550.2 (MANE Select); 18 bases into the intron after coding-DNA position 65575, A replaced by G.
Molecular consequence: intron variant. On other transcripts: non-coding transcript variant (1).
Genome position (GRCh38, 1-based): chr2:178,583,589, T>C on the plus strand (A>G on the coding strand, the complement: TTN is on the minus strand). VCF-style: chr2-178583589-T-C. GRCh37 (hg19) VCF-style: chr2-179448316-T-C.
Other names: c.38380+18A>G (NM_003319.4); c.38956+18A>G (NM_133437.4); c.38755+18A>G (NM_133432.3); c.57871+18A>G (NM_133378.4); c.60652+18A>G (NM_001256850.1).
Identifiers: ClinVar variation 509533 (VCV000509533.1), dbSNP rs1296782954, ClinGen allele CA430263149.